The following is an entry in ClinVar:

ClinVar aggregate classification (germline): Uncertain significance. Review status: criteria provided, single submitter (1 of 4 stars). 3 submissions from 3 submitters: Uncertain significance (1). 2 of the submissions do not count toward it. Last evaluated 2023-08-31.

Conditions:
Perrault syndrome 1 (PRLTS1). Also called: GONADAL DYSGENESIS, XX TYPE, WITH DEAFNESS; OVARIAN DYSGENESIS WITH SENSORINEURAL DEAFNESS. Identifiers: Orphanet 2855, Orphanet 642945, MedGen C4551721, MONDO:0009300, OMIM 233400.
Perrault syndrome. Also called: Gonadal dysgenesis with auditory dysfunction, autosomal recessive inheritance. Identifiers: Orphanet 2855, MedGen C0685838, MONDO:0017312.

Submissions (3):

Women's Health and Genetics/Laboratory Corporation of America, LabCorp
Classification: Uncertain significance. Last evaluated: 2023-08-31. Review status: criteria provided, single submitter. Criteria: LabCorp Variant Classification Summary - May 2015. Collection method: clinical testing. Allele origin: germline.
Comment: Variant summary: HSD17B4 c.650A>G (p.Tyr217Cys) results in a non-conservative amino acid change in the encoded protein sequence. Five of five in-silico tools predict a damaging effect of the variant on protein function. The variant was absent in 251160 control chromosomes (gnomAD). These data indicate that the variant may be associated with disease. To our knowledge, no experimental evidence demonstrating an impact on protein function has been reported. The following publication has been ascertained in the context of this evaluation (PMID: 20673864). No submitters have cited clinical-significance assessments for this variant to ClinVar after 2014. Based on the evidence outlined above, the variant was classified as VUS-possibly pathogenic.

OMIM
Classification: Pathogenic for PERRAULT SYNDROME 1. Last evaluated: 2010-08-13. Review status: no assertion criteria provided. Collection method: literature only. Allele origin: germline. Not counted in ClinVar's aggregate classification.

GeneReviews
No classification provided. Condition: Perrault syndrome. Review status: no classification provided. Collection method: literature only. Allele origin: germline. Not counted in ClinVar's aggregate classification.

Literature cited by the submitters: PubMed 20673864 (cited by 3 submitters); PubMed 4061497 (cited by OMIM); PubMed 15216544 (cited by OMIM).

NM_000414.4(HSD17B4):c.650A>G (p.Tyr217Cys)

Gene: HSD17B4 (hydroxysteroid 17-beta dehydrogenase 4; plus strand). Cytogenetic location: 5q23.1.
Variant type: single nucleotide variant.
Coding change: c.650A>G on transcript NM_000414.4 (MANE Select); coding-DNA position 650, A replaced by G.
Protein change: p.Tyr217Cys; replaces tyrosine 217 with cysteine.
Molecular consequence: missense variant. On other transcripts: non-coding transcript variant (2).
Genome position (GRCh38, 1-based): chr5:119,489,219, A>G. VCF-style: chr5-119489219-A-G. GRCh37 (hg19) VCF-style: chr5-118824914-A-G.
Other names: c.725A>G, p.Tyr242Cys (NM_001199291.3); c.596A>G, p.Tyr199Cys (NM_001199292.2); c.578A>G, p.Tyr193Cys (NM_001292027.2); c.230A>G, p.Tyr77Cys (NM_001292028.2); c.641A>G, p.Tyr214Cys (NM_001374497.1); c.650A>G, p.Tyr217Cys (NM_001374498.1); c.323A>G, p.Tyr108Cys (NM_001374499.1); c.209A>G, p.Tyr70Cys (NM_001374500.1); and 1 more; short protein forms Y217C, Y77C, Y193C, Y199C, Y242C, Y70C, Y108C, Y214C.
Identifiers: ClinVar variation 30228 (VCV000030228.3), dbSNP rs387906825, ClinGen allele CA129040.
Genomic context (GRCh38, chr5:119,489,219, plus strand): 5'-ATTGATAAGATATGTGTATATTCTTTATTTCAGATCTTGTGGAAGCCCTGAAGCCAGAGT[A>G]TGTGGCACCTCTTGTCCTTTGGCTTTGTCACGAGAGTTGTGAGGAGAATGGTGGCTTGTT-3'
Protein context (NP_000405.1, residues 207-227): EDLVEALKPE[Tyr217Cys]VAPLVLWLCH